The following is an entry in ClinVar:

NM_000492.4(CFTR):c.2976T>A (p.Phe992Leu)

Genes: CFTR (CF transmembrane conductance regulator; plus strand), CFTR-AS2 (CFTR antisense RNA 2; minus strand). Cytogenetic location: 7q31.2.
Variant type: single nucleotide variant.
Coding change: c.2976T>A on transcript NM_000492.4 (MANE Select); coding-DNA position 2976, T replaced by A.
Protein change: p.Phe992Leu; replaces phenylalanine 992 with leucine.
Molecular consequence: missense variant.
Genome position (GRCh38, 1-based): chr7:117,606,741, T>A. VCF-style: chr7-117606741-T-A. GRCh37 (hg19) VCF-style: chr7-117246795-T-A.
Other names: short protein forms F992L.
Identifiers: ClinVar variation 495920 (VCV000495920.4), dbSNP rs758250836, ClinGen allele CA4451341.

ClinVar aggregate classification (germline): Uncertain significance. Review status: criteria provided, multiple submitters, no conflicts (2 of 4 stars). 4 submissions from 4 submitters: Uncertain significance (3). 1 of the submissions does not count toward it. Last evaluated 2026-08-18.

Conditions:
CFTR-related disorder (CFTR-RD). Also called: CFTR-related condition; CFTR-related disorders. Identifiers: MedGen C5924204, MONDO:7770004.
Cystic fibrosis (CF). Also called: MUCOVISCIDOSIS. Identifiers: Orphanet 586, MedGen C0010674, MONDO:0009061, OMIM 219700. Disease mechanism: loss of function.
Hereditary pancreatitis (PCTT). Also called: Hereditary chronic pancreatitis; PRSS1-Related Hereditary Pancreatitis. Identifiers: Orphanet 676, MedGen C0238339, MONDO:0008185, OMIM 167800.
Bronchiectasis with or without elevated sweat chloride 1 (BESC1). Also called: Cystic Fibrosis-Like Syndrome. Identifiers: Orphanet 60033, MedGen C2749757, MONDO:0008887, OMIM 211400.
Congenital bilateral aplasia of vas deferens from CFTR mutation (CBAVD). Identifiers: Orphanet 48, MedGen C0403814, MONDO:0010178, OMIM 277180. Disease mechanism: loss of function.

Allele frequency attached by ClinVar (database versions not stated): TOPMed below 0.00001; ExAC 0.00002.
gnomAD v4.1: 5 of 1,569,836 alleles (0.00032%); highest among the groups gnomAD compares: Middle Eastern, 0.05%; no homozygotes.

Submissions (4):

Ambry Genetics
Classification: Uncertain significance for Cystic fibrosis. Last evaluated: 2026-08-18. Review status: criteria provided, single submitter. Criteria: Ambry Variant Classification Scheme 2023. Collection method: clinical testing. Allele origin: germline.
Comment: The p.F992L variant (also known as c.2976T>A), located in coding exon 18 of the CFTR gene, results from a T to A substitution at nucleotide position 2976. The phenylalanine at codon 992 is replaced by leucine, an amino acid with highly similar properties. This amino acid position is highly conserved in available vertebrate species. In addition, this alteration is predicted to be deleterious by in silico analysis. Based on the available evidence, the clinical significance of this variant remains unclear.

Fulgent Genetics
Classification: Uncertain significance for Hereditary pancreatitis; Bronchiectasis with or without elevated sweat chloride 1; Cystic fibrosis; Congenital bilateral aplasia of vas deferens from CFTR mutation. Last evaluated: 2021-09-22. Review status: criteria provided, single submitter. Criteria: ACMG Guidelines, 2015. Collection method: clinical testing. Allele origin: unknown.

Women's Health and Genetics/Laboratory Corporation of America, LabCorp
Classification: Uncertain significance. Last evaluated: 2017-07-13. Review status: criteria provided, single submitter. Criteria: LabCorp Variant Classification Summary - May 2015. Collection method: clinical testing. Allele origin: germline.
Comment: Variant summary: The CFTR c.2976T>A (p.Phe992Leu) variant causes a missense change involving the alteration of a conserved nucleotide. 2/4 in silico tools predict a benign outcome for this variant. This variant was found in 2/121164 control chromosomes at a frequency of 0.0000165, which does not exceed the estimated maximal expected allele frequency of a pathogenic CFTR variant (0.0062697). The variant of interest has not, to our knowledge, been reported in affected individuals via publications and/or reputable databases/clinical diagnostic laboratories; nor evaluated for functional impact by in vivo/vitro studies. Because of the absence of clinical information and the lack of functional studies, the variant is classified as a variant of uncertain significance (VUS).

Natera, Inc.
Classification: Uncertain significance for CFTR-related disorders. Last evaluated: 2019-02-26. Review status: no assertion criteria provided. Collection method: clinical testing. Allele origin: germline. Not counted in ClinVar's aggregate classification.